The following is an entry in ClinVar:

NM_030665.4(RAI1):c.1458C>T (p.Ser486=)

Gene: RAI1 (retinoic acid induced 1; plus strand). Cytogenetic location: 17p11.2.
Variant type: single nucleotide variant.
Coding change: c.1458C>T on transcript NM_030665.4 (MANE Select); coding-DNA position 1458, C replaced by T.
Protein change: p.Ser486=; no amino-acid change (serine 486 retained).
Molecular consequence: synonymous variant.
Genome position (GRCh38, 1-based): chr17:17,794,406, C>T. VCF-style: chr17-17794406-C-T. GRCh37 (hg19) VCF-style: chr17-17697720-C-T.
Identifiers: ClinVar variation 587955 (VCV000587955.9), dbSNP rs1034894206, ClinGen allele CA288367725.

ClinVar aggregate classification (germline): Likely benign. Review status: criteria provided, multiple submitters, no conflicts (2 of 4 stars). 3 submissions from 3 submitters: Likely benign (3). Last evaluated 2026-06-02.

Conditions:
Inborn genetic diseases. Identifiers: MedGen C0950123, MeSH D030342.
RAI1-related disorder. Also called: RAI1-related condition.

Allele frequency attached by ClinVar (database versions not stated): gnomAD exomes 0.00001 and below 0.00001; TOPMed 0.00001; gnomAD 0.00003 and 0.00004.

Submissions (3):

PreventionGenetics, part of Exact Sciences
Classification: Likely benign for RAI1-related condition. Last evaluated: 2026-06-02. Review status: criteria provided, single submitter. Criteria: ACMG Guidelines, 2015. Collection method: clinical testing. Allele origin: germline.
Comment: This variant is classified as likely benign based on ACMG/AMP sequence variant interpretation guidelines (Richards et al. 2015 PMID: 25741868, with internal and published modifications).

Labcorp Genetics (formerly Invitae), Labcorp
Classification: Likely benign. Last evaluated: 2025-05-30. Review status: criteria provided, single submitter. Criteria: Invitae Variant Classification Sherloc (09022015). Collection method: clinical testing. Allele origin: germline.

Ambry Genetics
Classification: Likely benign for Inborn genetic diseases. Last evaluated: 2016-06-21. Review status: criteria provided, single submitter. Criteria: Ambry Variant Classification Scheme 2023. Collection method: clinical testing. Allele origin: germline.